The following is an entry in ClinVar:

NM_013266.4(CTNNA3):c.1774G>T (p.Ala592Ser)

Gene: CTNNA3 (catenin alpha 3; minus strand). Cytogenetic location: 10q21.3.
Variant type: single nucleotide variant.
Coding change: c.1774G>T on transcript NM_013266.4 (MANE Select); coding-DNA position 1774, G replaced by T.
Protein change: p.Ala592Ser; replaces alanine 592 with serine.
Molecular consequence: missense variant.
Genome position (GRCh38, 1-based): chr10:66,280,580, C>A on the plus strand (G>T on the coding strand, the complement: CTNNA3 is on the minus strand). VCF-style: chr10-66280580-C-A. GRCh37 (hg19) VCF-style: chr10-68040338-C-A.
Other names: c.1774G>T, p.Ala592Ser (NM_001127384.3); c.1774G>T (NM_013266.2); short protein forms A592S.
Identifiers: ClinVar variation 1009070 (VCV001009070.9), dbSNP rs1246325935, ClinGen allele CA377091082.
Genomic context (GRCh38, chr10:66,280,580, plus strand): 5'-TCTTTGAGATGTCCACAAATTGATTATCATCCAACACATTCAATGAGCTTTTGCTTAAGG[C>A]TTCCAAGGCAACATTCACTTGTGTTACAAATTCAGGAATTACTGTTAAAATAAAGAATAA-3'
Protein context (NP_037398.2, residues 582-602): FVTQVNVALE[Ala592Ser]LSKSSLNVLD

ClinVar aggregate classification (germline): Uncertain significance. Review status: criteria provided, multiple submitters, no conflicts (2 of 4 stars). 2 submissions from 2 submitters: Uncertain significance (2). Last evaluated 2025-03-18.

Conditions:
Arrhythmogenic right ventricular dysplasia 13. Also called: ARRHYTHMOGENIC RIGHT VENTRICULAR CARDIOMYOPATHY 13; Arrhythmogenic right ventricular dysplasia, familial, 13. Identifiers: MedGen C3810138, MONDO:0000908, OMIM 615616.

Allele frequency attached by ClinVar (database versions not stated): gnomAD exomes below 0.00001.
gnomAD v4.1: 3 of 1,608,380 alleles (0.00019%); highest among the groups gnomAD compares: Non-Finnish European, 0.000085%; no homozygotes.

Submissions (2):

Ambry Genetics
Classification: Uncertain significance. Last evaluated: 2025-03-18. Review status: criteria provided, single submitter. Criteria: Ambry Variant Classification Scheme 2023. Collection method: clinical testing. Allele origin: germline.
Comment: The p.A592S variant (also known as c.1774G>T), located in coding exon 12 of the CTNNA3 gene, results from a G to T substitution at nucleotide position 1774. The alanine at codon 592 is replaced by serine, an amino acid with similar properties. This amino acid position is conserved. In addition, this alteration is predicted to be tolerated by in silico analysis. Based on the available evidence, the clinical significance of this variant remains unclear.

Labcorp Genetics (formerly Invitae), Labcorp
Classification: Uncertain significance for Arrhythmogenic right ventricular dysplasia 13. Last evaluated: 2022-07-19. Review status: criteria provided, single submitter. Criteria: Invitae Variant Classification Sherloc (09022015). Collection method: clinical testing. Allele origin: germline.
Comment: In summary, the available evidence is currently insufficient to determine the role of this variant in disease. Therefore, it has been classified as a Variant of Uncertain Significance. Algorithms developed to predict the effect of missense changes on protein structure and function are either unavailable or do not agree on the potential impact of this missense change (SIFT: "Tolerated"; PolyPhen-2: "Not Available"; Align-GVGD: "Class C0"). ClinVar contains an entry for this variant (Variation ID: 1009070). This variant has not been reported in the literature in individuals affected with CTNNA3-related conditions. This variant is present in population databases (no rsID available, gnomAD no frequency). This sequence change replaces alanine, which is neutral and non-polar, with serine, which is neutral and polar, at codon 592 of the CTNNA3 protein (p.Ala592Ser).